The following is an entry in ClinVar:

NM_004958.4(MTOR):c.769C>T (p.Arg257Trp)

Gene: MTOR (mechanistic target of rapamycin kinase; minus strand). Cytogenetic location: 1p36.22.
Variant type: single nucleotide variant.
Coding change: c.769C>T on transcript NM_004958.4 (MANE Select); coding-DNA position 769, C replaced by T.
Protein change: p.Arg257Trp; replaces arginine 257 with tryptophan.
Molecular consequence: missense variant. On other transcripts: 5 prime UTR variant (1).
Genome position (GRCh38, 1-based): chr1:11,253,910, G>A on the plus strand (C>T on the coding strand, the complement: MTOR is on the minus strand). VCF-style: chr1-11253910-G-A. GRCh37 (hg19) VCF-style: chr1-11313967-G-A.
Other names: c.769C>T, p.Arg257Trp (NM_001386500.1); c.-371C>T (NM_001386501.1); short protein forms R257W.
Identifiers: ClinVar variation 1367985 (VCV001367985.8), dbSNP rs1650028775, ClinGen allele CA338401414.

ClinVar aggregate classification (germline): Uncertain significance (1 of 4 stars; one submission).

Allele frequency attached by ClinVar (database versions not stated): gnomAD exomes below 0.00001; TOPMed 0.00001.

Submission:

Labcorp Genetics (formerly Invitae), Labcorp
Classification: Uncertain significance. Last evaluated: 2021-07-16. Review status: criteria provided, single submitter. Criteria: Invitae Variant Classification Sherloc (09022015). Collection method: clinical testing. Allele origin: germline.
Comment: Algorithms developed to predict the effect of missense changes on protein structure and function are either unavailable or do not agree on the potential impact of this missense change (SIFT: "Deleterious"; PolyPhen-2: "Possibly Damaging"; Align-GVGD: "Class C0"). In summary, the available evidence is currently insufficient to determine the role of this variant in disease. Therefore, it has been classified as a Variant of Uncertain Significance. This variant has not been reported in the literature in individuals affected with MTOR-related conditions. This variant is not present in population databases (ExAC no frequency). This sequence change replaces arginine with tryptophan at codon 257 of the MTOR protein (p.Arg257Trp). The arginine residue is moderately conserved and there is a moderate physicochemical difference between arginine and tryptophan.